The following is an entry in ClinVar:

NM_005502.4(ABCA1):c.3314C>T (p.Ser1105Phe)

Gene: ABCA1 (ATP binding cassette subfamily A member 1; minus strand). Cytogenetic location: 9q31.1.
Variant type: single nucleotide variant.
Coding change: c.3314C>T on transcript NM_005502.4 (MANE Select); coding-DNA position 3314, C replaced by T.
Protein change: p.Ser1105Phe; replaces serine 1105 with phenylalanine.
Molecular consequence: missense variant.
Genome position (GRCh38, 1-based): chr9:104,818,811, G>A on the plus strand (C>T on the coding strand, the complement: ABCA1 is on the minus strand). VCF-style: chr9-104818811-G-A. GRCh37 (hg19) VCF-style: chr9-107581092-G-A.
Other names: short protein forms S1105F.
Identifiers: ClinVar variation 4825566 (VCV004825566.1).

ClinVar aggregate classification (germline): Uncertain significance (1 of 4 stars; one submission).

Conditions:
Cardiovascular phenotype. Identifiers: MedGen CN230736.

Submission:

Ambry Genetics
Classification: Uncertain significance for Cardiovascular phenotype. Last evaluated: 2026-02-22. Review status: criteria provided, single submitter. Criteria: Ambry Variant Classification Scheme 2023. Collection method: clinical testing. Allele origin: germline.
Comment: The p.S1105F variant (also known as c.3314C>T), located in coding exon 22 of the ABCA1 gene, results from a C to T substitution at nucleotide position 3314. The serine at codon 1105 is replaced by phenylalanine, an amino acid with highly dissimilar properties. This amino acid position is conserved. In addition, this alteration is predicted to be deleterious by in silico analysis. Based on the available evidence, the clinical significance of this variant remains unclear.